The following is an entry in ClinVar:

NM_020778.5(ALPK3):c.1065T>A (p.Cys355Ter)

Gene: ALPK3 (alpha kinase 3; plus strand). Cytogenetic location: 15q25.3.
Variant type: single nucleotide variant.
Coding change: c.1065T>A on transcript NM_020778.5 (MANE Select); coding-DNA position 1065, T replaced by A.
Protein change: p.Cys355Ter; replaces cysteine 355 with a stop codon.
Molecular consequence: nonsense.
Genome position (GRCh38, 1-based): chr15:84,840,344, T>A. VCF-style: chr15-84840344-T-A. GRCh37 (hg19) VCF-style: chr15-85383575-T-A.
Other names: short protein forms C355*.
Identifiers: ClinVar variation 4726763 (VCV004726763.1).

ClinVar aggregate classification (germline): Pathogenic (1 of 4 stars; one submission).

Submission:

Labcorp Genetics (formerly Invitae), Labcorp
Classification: Pathogenic. Last evaluated: 2025-09-07. Review status: criteria provided, single submitter. Criteria: Invitae Variant Classification Sherloc (09022015). Collection method: clinical testing. Allele origin: germline.
Comment: This sequence change creates a premature translational stop signal (p.Cys557*) in the ALPK3 gene. It is expected to result in an absent or disrupted protein product. Loss-of-function variants in ALPK3 are known to be pathogenic (PMID: 21441111, 26846950, 27106955, 34263907). This variant is not present in population databases (gnomAD no frequency). This variant has not been reported in the literature in individuals affected with ALPK3-related conditions. For these reasons, this variant has been classified as Pathogenic.

Literature cited by the submitters: PubMed 21441111; PubMed 26846950; PubMed 27106955; PubMed 34263907.